The following is an entry in ClinVar:

ClinVar aggregate classification (germline): Likely benign. Review status: criteria provided, multiple submitters, no conflicts (2 of 4 stars). 2 submissions from 2 submitters: Likely benign (2). Last evaluated 2024-11-04.

gnomAD v4.1: 304 of 1,613,434 alleles (0.019%); highest among the groups gnomAD compares: Non-Finnish European, 0.013%; no homozygotes.

Submissions (2):

Blueprint Genetics
Classification: Likely benign. Last evaluated: 2024-11-04. Review status: criteria provided, single submitter. Criteria: ACMG Guidelines, 2015. Collection method: clinical testing. Allele origin: germline.

CeGaT Center for Human Genetics Tuebingen
Classification: Likely benign. Last evaluated: 2024-10-01. Review status: criteria provided, single submitter. Criteria: CeGaT Center For Human Genetics Tuebingen Variant Classification Criteria Version 2. Collection method: clinical testing. Allele origin: germline. Affected: yes. Observed: 1 variant allele.
Comment: CALM2: BP4, BP7

NM_001743.6(CALM2):c.-30C>T

Gene: CALM2 (calmodulin 2; minus strand). Cytogenetic location: 2p21.
Variant type: single nucleotide variant.
Coding change: c.-30C>T on transcript NM_001743.6 (MANE Select); 30 bases upstream of the start codon, C replaced by T.
Molecular consequence: 5 prime UTR variant. On other transcripts: synonymous variant (1), intron variant (1).
Genome position (GRCh38, 1-based): chr2:47,176,473, G>A on the plus strand (C>T on the coding strand, the complement: CALM2 is on the minus strand). VCF-style: chr2-47176473-G-A. GRCh37 (hg19) VCF-style: chr2-47403612-G-A.
Other names: c.69C>T, p.Val23= (NM_001305624.1); c.-106+376C>T (NM_001305625.2).
Identifiers: ClinVar variation 3388515 (VCV003388515.15).